The following is an entry in ClinVar:

NM_014712.3(SETD1A):c.5076G>A (p.Lys1692=)

Gene: SETD1A (SET domain containing 1A, histone lysine methyltransferase; plus strand). Cytogenetic location: 16p11.2.
Variant type: single nucleotide variant.
Coding change: c.5076G>A on transcript NM_014712.3 (MANE Select); coding-DNA position 5076, G replaced by A.
Protein change: p.Lys1692=; no amino-acid change (lysine 1692 retained).
Molecular consequence: synonymous variant.
Genome position (GRCh38, 1-based): chr16:30,983,975, G>A. VCF-style: chr16-30983975-G-A. GRCh37 (hg19) VCF-style: chr16-30995296-G-A.
Identifiers: ClinVar variation 3389230 (VCV003389230.14).

ClinVar aggregate classification (germline): Likely benign (1 of 4 stars; one submission).

gnomAD v4.1: 4 of 1,614,120 alleles (0.00025%); highest among the groups gnomAD compares: Non-Finnish European, 0.00034%; no homozygotes.

Submission:

CeGaT Center for Human Genetics Tuebingen
Classification: Likely benign. Last evaluated: 2024-10-01. Review status: criteria provided, single submitter. Criteria: CeGaT Center For Human Genetics Tuebingen Variant Classification Criteria Version 2. Collection method: clinical testing. Allele origin: germline. Affected: yes. Observed: 1 variant allele.
Comment: SETD1A: BP4, BP7